The following is an entry in ClinVar:

NM_001354604.2(MITF):c.1056_1064delinsTATCTTAAG (p.Lys355Arg)

Gene: MITF (melanocyte inducing transcription factor; plus strand). Cytogenetic location: 3p13.
Variant type: Indel.
Coding change: c.1056_1064delinsTATCTTAAG on transcript NM_001354604.2 (MANE Select); coding-DNA positions 1056 to 1064, CATCTTAAA replaced by TATCTTAAG.
Protein change: p.Lys355Arg; replaces lysine 355 with arginine.
Molecular consequence: missense variant.
Genome position (GRCh38, 1-based): chr3:69,959,297-69,959,305, CATCTTAAA replaced by TATCTTAAG. VCF-style: chr3-69959297-CATCTTAAA-TATCTTAAG. GRCh37 (hg19) VCF-style: chr3-70008448-CATCTTAAA-TATCTTAAG.
Other names: c.735_743delCATCTTAAAinsTATCTTAAG, p.Lys248Arg (NM_000248.3); c.735_743delinsTATCTTAAG, p.Lys248Arg (NM_000248.4); c.882_890delinsTATCTTAAG, p.Lys297Arg (NM_001184967.2, NM_001354608.2); c.1053_1061delinsTATCTTAAG, p.Lys354Arg (NM_001354605.2); c.1035_1043delinsTATCTTAAG, p.Lys348Arg (NM_001354606.2, NM_006722.3); c.987_995delinsTATCTTAAG, p.Lys332Arg (NM_001354607.2); c.717_725delinsTATCTTAAG, p.Lys242Arg (NM_198158.3); c.1038_1046delinsTATCTTAAG, p.Lys349Arg (NM_198159.3); and 2 more; short protein forms K186R, K242R, K248R, K297R, K332R, K333R, K348R, K349R.
Identifiers: ClinVar variation 1710638 (VCV001710638.3), dbSNP rs2471655058, ClinGen allele CA2580070418.

ClinVar aggregate classification (germline): Uncertain significance (1 of 4 stars; one submission).

Submission:

GeneDx
Classification: Uncertain significance. Last evaluated: 2023-03-16. Review status: criteria provided, single submitter. Criteria: GeneDx Variant Classification Process June 2021. Collection method: clinical testing. Allele origin: germline. Affected: yes.
Comment: Not observed at significant frequency in large population cohorts (gnomAD); In silico analysis supports that this variant does not alter protein structure/function; Has not been previously published as pathogenic or benign to our knowledge